The following is an entry in ClinVar:

ClinVar aggregate classification (germline): Uncertain significance (1 of 4 stars; one submission).

gnomAD v4.1: 68 of 1,571,704 alleles (0.0043%); highest among the groups gnomAD compares: South Asian, 0.019%; no homozygotes.

Submission:

Ambry Genetics
Classification: Uncertain significance. Last evaluated: 2025-01-22. Review status: criteria provided, single submitter. Criteria: Ambry Variant Classification Scheme 2023. Collection method: clinical testing. Allele origin: germline.
Comment: Does not currently meet published gene-disease clinical validity criteria Based on insufficient or conflicting evidence, the clinical significance of this alteration remains unclear.

Literature cited by the submitters: PubMed 28106320.

NM_001378328.1(CELSR1):c.7009G>A (p.Ala2337Thr)

Gene: CELSR1 (cadherin EGF LAG seven-pass G-type receptor 1; minus strand). Cytogenetic location: 22q13.31.
Variant type: single nucleotide variant.
Coding change: c.7009G>A on transcript NM_001378328.1 (MANE Select); coding-DNA position 7009, G replaced by A.
Protein change: p.Ala2337Thr; replaces alanine 2337 with threonine.
Molecular consequence: missense variant.
Genome position (GRCh38, 1-based): chr22:46,381,925, C>T on the plus strand (G>A on the coding strand, the complement: CELSR1 is on the minus strand). VCF-style: chr22-46381925-C-T. GRCh37 (hg19) VCF-style: chr22-46777822-C-T.
Other names: c.7009G>A, p.Ala2337Thr (NM_014246.4); short protein forms A2337T.
Identifiers: ClinVar variation 3831311 (VCV003831311.1).